The following is an entry in ClinVar:

ClinVar aggregate classification (germline): Uncertain significance (1 of 4 stars; one submission).

Conditions:
Inborn genetic diseases. Identifiers: MedGen C0950123, MeSH D030342.

Submission:

Ambry Genetics
Classification: Uncertain significance for Inborn genetic diseases. Last evaluated: 2021-03-30. Review status: criteria provided, single submitter. Criteria: Ambry Variant Classification Scheme 2023. Collection method: clinical testing. Allele origin: germline.
Comment: The c.374A>C (p.E125A) alteration is located in exon 4 (coding exon 4) of the LMBRD1 gene. This alteration results from a A to C substitution at nucleotide position 374, causing the glutamic acid (E) at amino acid position 125 to be replaced by an alanine (A). The p.E125A alteration is predicted to be tolerated by in silico analysis. Based on insufficient or conflicting evidence, the clinical significance of this alteration remains unclear.

NM_018368.4(LMBRD1):c.374A>C (p.Glu125Ala)

Gene: LMBRD1 (LMBR1 domain containing 1; minus strand). Cytogenetic location: 6q13.
Variant type: single nucleotide variant.
Coding change: c.374A>C on transcript NM_018368.4 (MANE Select); coding-DNA position 374, A replaced by C.
Protein change: p.Glu125Ala; replaces glutamic acid 125 with alanine.
Molecular consequence: missense variant.
Genome position (GRCh38, 1-based): chr6:69,752,290, T>G on the plus strand (A>C on the coding strand, the complement: LMBRD1 is on the minus strand). VCF-style: chr6-69752290-T-G. GRCh37 (hg19) VCF-style: chr6-70462182-T-G.
Other names: c.155A>C, p.Glu52Ala (NM_001363722.2, NM_001367271.1, NM_001367272.1); short protein forms E52A, E125A.
Identifiers: ClinVar variation 2229281 (VCV002229281.2), dbSNP rs2481411080, ClinGen allele CA364802061.